The following is an entry in ClinVar:

ClinVar aggregate classification (germline): Likely benign (1 of 4 stars; one submission).

Allele frequency attached by ClinVar (database versions not stated): ExAC 0.00574; gnomAD exomes 0.00612; gnomAD 0.01062; TOPMed 0.01101; ESP Exome Variant Server 0.01207; 1000 Genomes Project 0.01318; 1000 Genomes Project 30x 0.01390.
gnomAD v4.1: 10,654 of 1,613,456 alleles (0.66%); highest among the groups gnomAD compares: African/African-American, 2.4%; 59 homozygotes.

Submission:

GeneDx
Classification: Likely benign. Last evaluated: 2021-05-24. Review status: criteria provided, single submitter. Criteria: GeneDx Variant Classification Process June 2021. Collection method: clinical testing. Allele origin: germline. Affected: yes.
Comment: See Variant Classification Assertion Criteria.

NM_001963.6(EGF):c.2609-38T>A

Gene: EGF (epidermal growth factor; plus strand). Cytogenetic location: 4q25.
Variant type: single nucleotide variant.
Coding change: c.2609-38T>A on transcript NM_001963.6 (MANE Select); 38 bases into the intron before coding-DNA position 2609, T replaced by A.
Molecular consequence: intron variant.
Genome position (GRCh38, 1-based): chr4:109,988,546, T>A. VCF-style: chr4-109988546-T-A. GRCh37 (hg19) VCF-style: chr4-110909702-T-A.
Other names: c.2609-38T>A (NM_001178130.3); c.2483-38T>A (NM_001178131.3); c.2366-4701T>A (NM_001357021.2).
Identifiers: ClinVar variation 1706743 (VCV001706743.2), dbSNP rs11569050, ClinGen allele CA3044021.